The following is an entry in ClinVar:

ClinVar aggregate classification (germline): Benign. Review status: criteria provided, multiple submitters, no conflicts (2 of 4 stars). 2 submissions from 2 submitters: Benign (2). Last evaluated 2018-06-14.

Allele frequency attached by ClinVar (database versions not stated): gnomAD 0.19932 and 0.20272; 1000 Genomes Project 0.20547; 1000 Genomes Project 30x 0.20659; TOPMed 0.23211.
gnomAD v4.1: 66,953 of 348,304 alleles (19%); highest among the groups gnomAD compares: Middle Eastern, 31%; 7,826 homozygotes.

Submissions (2):

GeneDx
Classification: Benign. Last evaluated: 2018-06-14. Review status: criteria provided, single submitter. Criteria: GeneDx Variant Classification (06012015). Collection method: clinical testing. Allele origin: germline. Affected: yes.
Comment: This variant is considered likely benign or benign based on one or more of the following criteria: it is a conservative change, it occurs at a poorly conserved position in the protein, it is predicted to be benign by multiple in silico algorithms, and/or has population frequency not consistent with disease.

Breakthrough Genomics
Classification: Benign. Review status: criteria provided, single submitter. Criteria: ACMG Guidelines, 2015. Collection method: not provided. Allele origin: germline. Inheritance: Autosomal dominant inheritance. Affected: yes.

NM_020822.3(KCNT1):c.1338-219G>A

Gene: KCNT1 (potassium sodium-activated channel subfamily T member 1; plus strand). Cytogenetic location: 9q34.3.
Variant type: single nucleotide variant.
Coding change: c.1338-219G>A on transcript NM_020822.3 (MANE Select); 219 bases into the intron before coding-DNA position 1338, G replaced by A.
Molecular consequence: intron variant.
Genome position (GRCh38, 1-based): chr9:135,768,391, G>A. VCF-style: chr9-135768391-G-A. GRCh37 (hg19) VCF-style: chr9-138660237-G-A.
Other names: c.1203-219G>A (NM_001272003.2).
Identifiers: ClinVar variation 682126 (VCV000682126.2), dbSNP rs62583551, ClinGen allele CA201467572.